The following is an entry in ClinVar:

NM_006306.4(SMC1A):c.1436A>C (p.Gln479Pro)

Gene: SMC1A (structural maintenance of chromosomes 1A; minus strand). Cytogenetic location: Xp11.22.
Variant type: single nucleotide variant.
Coding change: c.1436A>C on transcript NM_006306.4 (MANE Select); coding-DNA position 1436, A replaced by C.
Protein change: p.Gln479Pro; replaces glutamine 479 with proline.
Molecular consequence: missense variant.
Genome position (GRCh38, 1-based): chrX:53,409,171, T>G on the plus strand (A>C on the coding strand, the complement: SMC1A is on the minus strand). VCF-style: chrX-53409171-T-G. GRCh37 (hg19) VCF-style: chrX-53436102-T-G.
Other names: c.1370A>C, p.Gln457Pro (NM_001281463.1); short protein forms Q457P, Q479P.
Identifiers: ClinVar variation 934138 (VCV000934138.9), dbSNP rs2075701962, ClinGen allele CA413255583.

ClinVar aggregate classification (germline): Uncertain significance (1 of 4 stars; one submission).

Conditions:
Congenital muscular hypertrophy-cerebral syndrome (CDLS2). Also called: Cornelia de Lange syndrome 2; SMC1A-Related Cornelia de Lange Syndrome. Identifiers: Orphanet 199, MedGen C1802395, MONDO:0010370, OMIM 300590.

Submission:

Labcorp Genetics (formerly Invitae), Labcorp
Classification: Uncertain significance for Congenital muscular hypertrophy-cerebral syndrome. Last evaluated: 2020-02-12. Review status: criteria provided, single submitter. Criteria: Invitae Variant Classification Sherloc (09022015). Collection method: clinical testing. Allele origin: germline.
Comment: Algorithms developed to predict the effect of missense changes on protein structure and function are either unavailable or do not agree on the potential impact of this missense change (SIFT: "Tolerated"; PolyPhen-2: "Possibly Damaging"; Align-GVGD: "Class C0"). In summary, the available evidence is currently insufficient to determine the role of this variant in disease. Therefore, it has been classified as a Variant of Uncertain Significance. This sequence change replaces glutamine with proline at codon 479 of the SMC1A protein (p.Gln479Pro). The glutamine residue is moderately conserved and there is a moderate physicochemical difference between glutamine and proline. This variant is not present in population databases (ExAC no frequency). This variant has not been reported in the literature in individuals with SMC1A-related conditions.